The following is an entry in ClinVar:

NM_001145715.3(KPNA7):c.1219G>A (p.Val407Ile)

Gene: KPNA7 (karyopherin subunit alpha 7; minus strand). Cytogenetic location: 7q22.1.
Variant type: single nucleotide variant.
Coding change: c.1219G>A on transcript NM_001145715.3 (MANE Select); coding-DNA position 1219, G replaced by A.
Protein change: p.Val407Ile; replaces valine 407 with isoleucine.
Molecular consequence: missense variant.
Genome position (GRCh38, 1-based): chr7:99,181,981, C>T on the plus strand (G>A on the coding strand, the complement: KPNA7 is on the minus strand). VCF-style: chr7-99181981-C-T. GRCh37 (hg19) VCF-style: chr7-98779604-C-T.
Other names: short protein forms V407I.
Identifiers: ClinVar variation 944502 (VCV000944502.6), dbSNP rs1207090565, ClinGen allele CA368418084.
Genomic context (GRCh38, chr7:99,181,981, plus strand): 5'-CAATTTTAACATCTGGGGCAGTGAGCAGATTCACCAGTGGCTCCAGGACCCCAGAGTGGA[C>T]GAGCTGGATCAGCTGATCCATGGTGGCCCCTGTTGCAAAGTTCGCCACCATCCAGACAGC-3'
Protein context (NP_001139187.1, residues 397-417): GATMDQLIQL[Val407Ile]HSGVLEPLVN

ClinVar aggregate classification (germline): Uncertain significance. Review status: criteria provided, multiple submitters, no conflicts (2 of 4 stars). 2 submissions from 2 submitters: Uncertain significance (2). Last evaluated 2024-03-19.

Allele frequency attached by ClinVar (database versions not stated): gnomAD exomes 0.00002 and 0.00003; gnomAD 0.00003 and 0.00004; TOPMed 0.00003.
gnomAD v4.1: 39 of 1,551,068 alleles (0.0025%); highest among the groups gnomAD compares: African/African-American, 0.0041%; no homozygotes.

Submissions (2):

Ambry Genetics
Classification: Uncertain significance. Last evaluated: 2024-03-19. Review status: criteria provided, single submitter. Criteria: Ambry Variant Classification Scheme 2023. Collection method: clinical testing. Allele origin: germline.

Labcorp Genetics (formerly Invitae), Labcorp
Classification: Uncertain significance. Last evaluated: 2022-09-27. Review status: criteria provided, single submitter. Criteria: Invitae Variant Classification Sherloc (09022015). Collection method: clinical testing. Allele origin: germline.
Comment: This sequence change replaces valine, which is neutral and non-polar, with isoleucine, which is neutral and non-polar, at codon 407 of the KPNA7 protein (p.Val407Ile). This variant is present in population databases (no rsID available, gnomAD 0.01%). This variant has not been reported in the literature in individuals affected with KPNA7-related conditions. ClinVar contains an entry for this variant (Variation ID: 944502). Advanced modeling of protein sequence and biophysical properties (such as structural, functional, and spatial information, amino acid conservation, physicochemical variation, residue mobility, and thermodynamic stability) performed at Invitae indicates that this missense variant is not expected to disrupt KPNA7 protein function. In summary, the available evidence is currently insufficient to determine the role of this variant in disease. Therefore, it has been classified as a Variant of Uncertain Significance.